The following is an entry in ClinVar:

NM_004260.4(RECQL4):c.2755+6G>A

Gene: RECQL4 (RecQ like helicase 4; minus strand). Cytogenetic location: 8q24.3.
Variant type: single nucleotide variant.
Coding change: c.2755+6G>A on transcript NM_004260.4 (MANE Select); 6 bases into the intron after coding-DNA position 2755, G replaced by A.
Molecular consequence: intron variant.
Genome position (GRCh38, 1-based): chr8:144,512,841, C>T on the plus strand (G>A on the coding strand, the complement: RECQL4 is on the minus strand). VCF-style: chr8-144512841-C-T. GRCh37 (hg19) VCF-style: chr8-145738224-C-T.
Identifiers: ClinVar variation 1433430 (VCV001433430.6), dbSNP rs1827505860, ClinGen allele CA1120282266.

ClinVar aggregate classification (germline): Uncertain significance (1 of 4 stars; one submission).

Conditions:
Baller-Gerold syndrome (BGS). Also called: CRANIOSYNOSTOSIS WITH RADIAL DEFECTS. Identifiers: Orphanet 1225, MedGen C0265308, MONDO:0009039, OMIM 218600.

Allele frequency attached by ClinVar (database versions not stated): gnomAD 0.00001.
gnomAD v4.1: 5 of 1,606,014 alleles (0.00031%); highest among the groups gnomAD compares: African/African-American, 0.0013%; no homozygotes.

Submission:

Labcorp Genetics (formerly Invitae), Labcorp
Classification: Uncertain significance for Baller-Gerold syndrome. Last evaluated: 2023-04-11. Review status: criteria provided, single submitter. Criteria: Invitae Variant Classification Sherloc (09022015). Collection method: clinical testing. Allele origin: germline.
Comment: This sequence change falls in intron 15 of the RECQL4 gene. It does not directly change the encoded amino acid sequence of the RECQL4 protein. It affects a nucleotide within the consensus splice site. This variant is not present in population databases (gnomAD no frequency). This variant has not been reported in the literature in individuals affected with RECQL4-related conditions. ClinVar contains an entry for this variant (Variation ID: 1433430). Experimental studies and prediction algorithms are not available or were not evaluated, and the functional significance of this variant is currently unknown. Variants that disrupt the consensus splice site are a relatively common cause of aberrant splicing (PMID: 17576681, 9536098). Algorithms developed to predict the effect of sequence changes on RNA splicing suggest that this variant is not likely to affect RNA splicing. In summary, the available evidence is currently insufficient to determine the role of this variant in disease. Therefore, it has been classified as a Variant of Uncertain Significance.

Literature cited by the submitters: PubMed 17576681; PubMed 9536098.